The following is an entry in ClinVar:

NM_000550.3(TYRP1):c.411_415del (p.Ser137fs)

Gene: TYRP1 (tyrosinase related protein 1; plus strand). Cytogenetic location: 9p23.
Variant type: Deletion.
Coding change: c.411_415del on transcript NM_000550.3 (MANE Select); coding-DNA positions 411 to 415, 5 bases deleted (TAAAG; older notation c.411_415delTAAAG).
Protein change: p.Ser137fs; shifts the reading frame from serine 137.
Molecular consequence: frameshift variant.
Genome position (GRCh38, 1-based): chr9:12,695,540-12,695,544, TAAAG deleted; deleting any 5 consecutive bases within chr9:12,695,537-12,695,544 gives the same sequence; the c. name uses the placement nearest the transcript's 3' end. VCF-style (leftmost placement, unchanged base first): chr9-12695536-TAAGTA-T. GRCh37 (hg19) VCF-style: chr9-12695536-TAAGTA-T.
Other names: short protein forms S137fs.
Identifiers: ClinVar variation 2969683 (VCV002969683.3), dbSNP rs769074792, ClinGen allele CA4985222.

ClinVar aggregate classification (germline): Pathogenic (1 of 4 stars; one submission).

Submission:

Labcorp Genetics (formerly Invitae), Labcorp
Classification: Pathogenic. Last evaluated: 2023-10-22. Review status: criteria provided, single submitter. Criteria: Invitae Variant Classification Sherloc (09022015). Collection method: clinical testing. Allele origin: germline.
Comment: This sequence change creates a premature translational stop signal (p.Ser137Argfs*42) in the TYRP1 gene. It is expected to result in an absent or disrupted protein product. Loss-of-function variants in TYRP1 are known to be pathogenic (PMID: 8651291, 9345097). This variant is present in population databases (rs769074792, gnomAD 0.004%). This variant has not been reported in the literature in individuals affected with TYRP1-related conditions. For these reasons, this variant has been classified as Pathogenic.

Literature cited by the submitters: PubMed 8651291; PubMed 9345097.